The following is an entry in ClinVar:

NM_138387.4(G6PC3):c.907C>T (p.Pro303Ser)

Gene: G6PC3 (glucose-6-phosphatase catalytic subunit 3; plus strand). Cytogenetic location: 17q21.31.
Variant type: single nucleotide variant.
Coding change: c.907C>T on transcript NM_138387.4 (MANE Select); coding-DNA position 907, C replaced by T.
Protein change: p.Pro303Ser; replaces proline 303 with serine.
Molecular consequence: missense variant. On other transcripts: 3 prime UTR variant (1).
Genome position (GRCh38, 1-based): chr17:44,075,909, C>T. VCF-style: chr17-44075909-C-T. GRCh37 (hg19) VCF-style: chr17-42153277-C-T.
Other names: c.*200C>T (NM_001319945.2); c.562C>T, p.Pro188Ser (NM_001384165.1, NM_001384166.1, NM_001384167.1 and 1 more transcripts); short protein forms P188S, P303S.
Identifiers: ClinVar variation 3518052 (VCV003518052.1).

ClinVar aggregate classification (germline): Uncertain significance (1 of 4 stars; one submission).

Conditions:
Inborn genetic diseases. Identifiers: MedGen C0950123, MeSH D030342.

Submission:

Ambry Genetics
Classification: Uncertain significance for Inborn genetic diseases. Last evaluated: 2024-11-23. Review status: criteria provided, single submitter. Criteria: Ambry Variant Classification Scheme 2023. Collection method: clinical testing. Allele origin: germline.
Comment: The p.P303S variant (also known as c.907C>T), located in coding exon 6 of the G6PC3 gene, results from a C to T substitution at nucleotide position 907. The proline at codon 303 is replaced by serine, an amino acid with similar properties. This amino acid position is conserved. In addition, this alteration is predicted to be tolerated by in silico analysis. Based on the available evidence, the clinical significance of this variant remains unclear.